The following is an entry in ClinVar:

ClinVar aggregate classification (germline): Benign/Likely benign. Review status: criteria provided, multiple submitters, no conflicts (2 of 4 stars). 2 submissions from 2 submitters: Benign (1); Likely benign (1). Last evaluated 2025-03-13.

Conditions:
Pheochromocytoma/paraganglioma syndrome 4. Also called: CAROTID BODY TUMORS AND MULTIPLE EXTRAADRENAL PHEOCHROMOCYTOMAS; PARAGANGLIOMA, FAMILIAL MALIGNANT; PARAGANGLIOMAS, HEREDITARY EXTRAADRENAL; PHEOCHROMOCYTOMA, FAMILIAL EXTRAADRENAL; Paragangliomas 4; SDHB-Related Hereditary Paraganglioma-Pheochromocytoma Syndrome (Paragangliomas 4). Identifiers: Orphanet 29072, MedGen C1861848, MONDO:0007273, OMIM 115310.
Pheochromocytoma. Also called: MAX-Related Hereditary Paraganglioma-Pheochromocytoma Syndrome. Identifiers: Orphanet 29072, MedGen C0031511, MONDO:0008233, OMIM 171300, HP:0002666.
Gastrointestinal stromal tumor. Also called: Gastrointestinal stromal tumor, somatic; Gastrointestinal stroma tumor. Identifiers: Orphanet 44890, MedGen C0238198, MeSH D046152, MONDO:0011719, OMIM 606764, HP:0100723.

Submissions (2):

Myriad Genetics, Inc.
Classification: Benign for Pheochromocytoma/paraganglioma syndrome 4. Last evaluated: 2025-03-13. Review status: criteria provided, single submitter. Criteria: Myriad Autosomal Dominant, Autosomal Recessive and X-Linked Classification Criteria (2023). Collection method: clinical testing. Allele origin: unknown.
Comment: This variant is considered benign. This variant is intronic and is not expected to impact mRNA splicing.

Labcorp Genetics (formerly Invitae), Labcorp
Classification: Likely benign for Gastrointestinal stromal tumor; Pheochromocytoma/paraganglioma syndrome 4; Pheochromocytoma. Last evaluated: 2025-02-05. Review status: criteria provided, single submitter. Criteria: Invitae Variant Classification Sherloc (09022015). Collection method: clinical testing. Allele origin: germline.

NM_003000.3(SDHB):c.643-20_643-18dup

Gene: SDHB (succinate dehydrogenase complex iron sulfur subunit B; minus strand). Cytogenetic location: 1p36.13.
Variant type: Duplication.
Coding change: c.643-20_643-18dup on transcript NM_003000.3 (MANE Select); 20 bases into the intron before coding-DNA position 643 through 18 bases into the intron before coding-DNA position 643, 3 bases duplicated (AAT; older notation c.643-20_643-18dupAAT).
Molecular consequence: intron variant.
Genome position (GRCh38, 1-based): chr1:17,022,748-17,022,750, ATT duplicated on the plus strand (AAT on the coding strand, the reverse complement: SDHB is on the minus strand); duplicating any 3 consecutive bases within chr1:17,022,748-17,022,751 gives the same sequence; the c. name uses the placement nearest the transcript's 3' end. VCF-style (leftmost placement, unchanged base first): chr1-17022747-G-GATT. GRCh37 (hg19) VCF-style: chr1-17349242-G-GATT.
Other names: c.589-20_589-18dup (NM_001407361.1).
Identifiers: ClinVar variation 2936823 (VCV002936823.4), dbSNP rs2077969234, ClinGen allele CA1156078037.
Genomic context (GRCh38, chr1:17,022,747, plus strand): 5'-TCCTCTGTGAAGTCATCTCTGGAGTCAATCATCCAGCGATAGGCCTGGAAAACCAGGGAT[G>GATT]ATTAGCTGAGCTGCCAATCAACAGGCCAGAGCGGCACCCTGGCTCAACTCAAAGCTCTGG-3'